The following is an entry in ClinVar:

NM_006651.4(CPLX1):c.349C>T (p.Leu117=)

Gene: CPLX1 (complexin 1; minus strand). Cytogenetic location: 4p16.3.
Variant type: single nucleotide variant.
Coding change: c.349C>T on transcript NM_006651.4 (MANE Select); coding-DNA position 349, C replaced by T.
Protein change: p.Leu117=; no amino-acid change (leucine 117 retained).
Molecular consequence: synonymous variant.
Genome position (GRCh38, 1-based): chr4:786,557, G>A on the plus strand (C>T on the coding strand, the complement: CPLX1 is on the minus strand). VCF-style: chr4-786557-G-A. GRCh37 (hg19) VCF-style: chr4-780345-G-A.
Identifiers: ClinVar variation 790827 (VCV000790827.13), dbSNP rs374943037, ClinGen allele CA2796898.

ClinVar aggregate classification (germline): Likely benign. Review status: criteria provided, multiple submitters, no conflicts (2 of 4 stars). 4 submissions from 4 submitters: Likely benign (3). 1 of the submissions does not count toward it. Last evaluated 2025-02-25.

Conditions:
CPLX1-related disorder. Also called: CPLX1-related condition.

Allele frequency attached by ClinVar (database versions not stated): TOPMed 0.00006; gnomAD 0.00007 and 0.00013; gnomAD exomes 0.00017 and 0.00020; ExAC 0.00030; ESP Exome Variant Server 0.00031; 1000 Genomes Project 30x 0.00062; 1000 Genomes Project 0.00080.
gnomAD v4.1: 261 of 1,609,214 alleles (0.016%); highest among the groups gnomAD compares: South Asian, 0.085%; 2 homozygotes.

Submissions (4):

Labcorp Genetics (formerly Invitae), Labcorp
Classification: Likely benign. Last evaluated: 2025-02-25. Review status: criteria provided, single submitter. Criteria: Invitae Variant Classification Sherloc (09022015). Collection method: clinical testing. Allele origin: germline.

Blueprint Genetics
Classification: Likely benign. Last evaluated: 2024-07-09. Review status: criteria provided, single submitter. Criteria: ACMG Guidelines, 2015. Collection method: clinical testing. Allele origin: germline.

Breakthrough Genomics
Classification: Likely benign. Review status: criteria provided, single submitter. Criteria: ACMG Guidelines, 2015. Collection method: not provided. Allele origin: germline. Inheritance: Autosomal recessive inheritance. Affected: yes.

PreventionGenetics, part of Exact Sciences
Classification: Likely benign for CPLX1-related condition. Last evaluated: 2019-10-28. Review status: no assertion criteria provided. Collection method: clinical testing. Allele origin: germline. Not counted in ClinVar's aggregate classification.
Comment: This variant is classified as likely benign based on ACMG/AMP sequence variant interpretation guidelines (Richards et al. 2015 PMID: 25741868, with internal and published modifications).